The following is an entry in ClinVar:

ClinVar aggregate classification (germline): Conflicting classifications of pathogenicity. Review status: criteria provided, conflicting classifications (1 of 4 stars). 5 submissions from 5 submitters: Uncertain significance (2); Likely benign (1). 2 of the submissions do not count toward it. Last evaluated 2026-01-26.

Conditions:
Microform holoprosencephaly. Identifiers: Orphanet 280200, MedGen C5393309, MONDO:0017219.
Gorlin syndrome. Also called: Nevoid Basal Cell Carcinoma Syndrome; Basal cell nevus syndrome. Identifiers: Orphanet 377, MedGen C0004779, MONDO:0007187.
Medulloblastoma (MDB). Also called: MEDULLOBLASTOMA PREDISPOSITION SYNDROME; Medulloblastoma, somatic. Identifiers: Orphanet 616, MedGen C0025149, MeSH D008527, MONDO:0007959, OMIM 155255, HP:0002885.
Hereditary cancer-predisposing syndrome. Also called: Tumor predisposition; Hereditary neoplastic syndrome; Neoplastic Syndromes, Hereditary; Hereditary Cancer Syndrome. Identifiers: Orphanet 140162, MedGen C0027672, MeSH D009386, MONDO:0015356.

Allele frequency attached by ClinVar (database versions not stated): gnomAD 0.00001; TOPMed 0.00001; ExAC 0.00002; gnomAD exomes 0.00002 and 0.00003.
gnomAD v4.1: 45 of 1,613,698 alleles (0.0028%); highest among the groups gnomAD compares: Middle Eastern, 0.016%; no homozygotes.

Submissions (5):

Labcorp Genetics (formerly Invitae), Labcorp
Classification: Uncertain significance for Gorlin syndrome; Medulloblastoma. Last evaluated: 2026-01-26. Review status: criteria provided, single submitter. Criteria: Invitae Variant Classification Sherloc (09022015). Collection method: clinical testing. Allele origin: germline.
Comment: This sequence change replaces proline, which is neutral and non-polar, with leucine, which is neutral and non-polar, at codon 341 of the SUFU protein (p.Pro341Leu). This variant is present in population databases (rs587778699, gnomAD 0.01%). This missense change has been observed in individual(s) with holoprosencephaly (PMID: 27363716). ClinVar contains an entry for this variant (Variation ID: 135281). An algorithm developed to predict the effect of missense changes on protein structure and function (PolyPhen-2) suggests that this variant is likely to be tolerated. RNA analysis performed to evaluate the impact of this missense change on mRNA splicing indicates it does not significantly alter splicing (internal data). In summary, the available evidence is currently insufficient to determine the role of this variant in disease. Therefore, it has been classified as a Variant of Uncertain Significance.

GeneDx
Classification: Uncertain significance. Last evaluated: 2024-05-22. Review status: criteria provided, single submitter. Criteria: GeneDx Variant Classification Process June 2021. Collection method: clinical testing. Allele origin: germline. Affected: yes.
Comment: Not observed at significant frequency in large population cohorts (gnomAD); In silico analysis indicates that this missense variant does not alter protein structure/function; This variant is associated with the following publications: (PMID: 27363716, 24728327, 38529886)

Ambry Genetics
Classification: Likely benign for Hereditary cancer-predisposing syndrome. Last evaluated: 2023-09-05. Review status: criteria provided, single submitter. Criteria: Ambry Variant Classification Scheme 2023. Collection method: clinical testing. Allele origin: germline.

Laboratory of Molecular Genetics, CHU Rennes
Classification: Uncertain significance for microform holoprosencephaly. Last evaluated: 2016-04-13. Review status: no assertion criteria provided. Collection method: clinical testing. Allele origin: unknown. Affected: yes. Not counted in ClinVar's aggregate classification.

ITMI
No classification provided. Condition: AllHighlyPenetrant. Last evaluated: 2013-09-19. Review status: no classification provided. Collection method: reference population. Allele origin: germline. Not counted in ClinVar's aggregate classification.
Comment: Please see associated publication for description of ethnicities

Literature cited by the submitters: PubMed 27363716 (cited by Labcorp Genetics (formerly Invitae), Labcorp); PubMed 24728327 (cited by Ambry Genetics and ITMI).

NM_016169.4(SUFU):c.1022C>T (p.Pro341Leu)

Gene: SUFU (SUFU negative regulator of hedgehog signaling; plus strand). Cytogenetic location: 10q24.32.
Variant type: single nucleotide variant.
Coding change: c.1022C>T on transcript NM_016169.4 (MANE Select); coding-DNA position 1022, C replaced by T.
Protein change: p.Pro341Leu; replaces proline 341 with leucine.
Molecular consequence: missense variant.
Genome position (GRCh38, 1-based): chr10:102,599,544, C>T. VCF-style: chr10-102599544-C-T. GRCh37 (hg19) VCF-style: chr10-104359301-C-T.
Other names: c.1022C>T, p.Pro341Leu (NM_001178133.2); short protein forms P341L.
Identifiers: ClinVar variation 135281 (VCV000135281.16), dbSNP rs587778699, ClinGen allele CA162210.